The following is an entry in ClinVar:

NM_000540.3(RYR1):c.2315T>C (p.Leu772Pro)

Gene: RYR1 (ryanodine receptor 1; plus strand). Cytogenetic location: 19q13.2.
Variant type: single nucleotide variant.
Coding change: c.2315T>C on transcript NM_000540.3 (MANE Select); coding-DNA position 2315, T replaced by C.
Protein change: p.Leu772Pro; replaces leucine 772 with proline.
Molecular consequence: missense variant.
Genome position (GRCh38, 1-based): chr19:38,459,293, T>C. VCF-style: chr19-38459293-T-C. GRCh37 (hg19) VCF-style: chr19-38949933-T-C.
Other names: c.2315T>C, p.Leu772Pro (NM_001042723.2); short protein forms L772P.
Identifiers: ClinVar variation 544421 (VCV000544421.3), dbSNP rs1245178073, ClinGen allele CA405628095.

ClinVar aggregate classification (germline): Uncertain significance. Review status: criteria provided, multiple submitters, no conflicts (2 of 4 stars). 3 submissions from 3 submitters: Uncertain significance (3). Last evaluated 2024-06-27.

Conditions:
RYR1-related disorder. Also called: RYR1-related condition; RYR1-related disorders. Identifiers: MedGen CN239331.
Malignant hyperthermia, susceptibility to, 1 (MHS1). Also called: RYR1-Related Malignant Hyperthermia Susceptibility; Malignant hyperthermia suceptibility 1; Anesthesia related hyperthermia; Malignant hyperpyrexia; Fulminating hyperpyrexia; Pharmacogenic myopathy. Identifiers: Orphanet 423, MedGen C2930980, MONDO:0007783, OMIM 145600.

Allele frequency attached by ClinVar (database versions not stated): gnomAD exomes below 0.00001.
gnomAD v4.1: 1 of 1,614,132 alleles (0.000062%); highest among the groups gnomAD compares: South Asian, 0.0011%; no homozygotes.

Submissions (3):

Blueprint Genetics
Classification: Uncertain significance. Last evaluated: 2024-06-27. Review status: criteria provided, single submitter. Criteria: ACMG Guidelines, 2015. Collection method: clinical testing. Allele origin: germline.

All of Us Research Program, National Institutes of Health
Classification: Uncertain significance for Malignant hyperthermia, susceptibility to, 1. Last evaluated: 2023-08-28. Review status: criteria provided, single submitter. Criteria: ACMG Guidelines, 2015. Collection method: clinical testing. Allele origin: germline. Inheritance: Autosomal dominant inheritance. Observed: 1 variant allele, 1 heterozygote.
Comment: This missense variant replaces leucine with proline at codon 772 of the RYR1 protein. Computational prediction is inconclusive regarding the impact of this variant on protein structure and function (internally defined REVEL score threshold 0.5 < inconclusive < 0.7, PMID: 27666373). To our knowledge, functional studies have not been reported for this variant. This variant has not been reported in individuals affected with RYR1-related disorders in the literature. This variant has been identified in 1/251422 chromosomes in the general population by the Genome Aggregation Database (gnomAD). The available evidence is insufficient to determine the role of this variant in disease conclusively. Therefore, this variant is classified as a Variant of Uncertain Significance.

This study involves interpretation of variants in research participants for the purpose of population health screening. Participant phenotype was not available at the time of variant classification. Additional details can be found in publication PMID: 35346344, PMCID: PMC8962531

Labcorp Genetics (formerly Invitae), Labcorp
Classification: Uncertain significance for RYR1-Related Disorders. Last evaluated: 2018-03-20. Review status: criteria provided, single submitter. Criteria: Invitae Variant Classification Sherloc (09022015). Collection method: clinical testing. Allele origin: germline.
Comment: This sequence change replaces leucine with proline at codon 772 of the RYR1 protein (p.Leu772Pro). The leucine residue is highly conserved and there is a moderate physicochemical difference between leucine and proline. This variant is not present in population databases (ExAC no frequency). This variant has not been reported in the literature in individuals with RYR1-related disease. Algorithms developed to predict the effect of missense changes on protein structure and function do not agree on the potential impact of this missense change (SIFT: "Deleterious"; PolyPhen-2: "Probably Damaging"; Align-GVGD: "Class C0"). In summary, the available evidence is currently insufficient to determine the role of this variant in disease. Therefore, it has been classified as a Variant of Uncertain Significance.